The following is an entry in ClinVar:

NC_000008.10:g.(?_145738234)_(145741987_?)del

Gene: RECQL4 (RecQ like helicase 4; minus strand). Cytogenetic location: 8q24.3.
Variant type: Deletion.
Identifiers: ClinVar variation 1458367 (VCV001458367.4).

ClinVar aggregate classification (germline): Pathogenic (1 of 4 stars; one submission).

Conditions:
Baller-Gerold syndrome (BGS). Also called: CRANIOSYNOSTOSIS WITH RADIAL DEFECTS. Identifiers: Orphanet 1225, MedGen C0265308, MONDO:0009039, OMIM 218600.

Submission:

Labcorp Genetics (formerly Invitae), Labcorp
Classification: Pathogenic for Baller-Gerold syndrome. Last evaluated: 2021-08-25. Review status: criteria provided, single submitter. Criteria: Invitae Variant Classification Sherloc (09022015). Collection method: clinical testing. Allele origin: germline.
Comment: This variant results in the deletion of part of exon 5, exons 6-14 and part of exon 15 (c.516_2752delinsGAGGGT) of the RECQL4 gene. This deletion is out-of-frame, and is expected to create a premature termination codon and result in an absent or disrupted protein product. Loss-of-function variants in RECQL4 are known to be pathogenic (PMID: 12734318, 12952869). This variant has not been reported in the literature in individuals affected with RECQL4-related conditions. For these reasons, this variant has been classified as Pathogenic.

Literature cited by the submitters: PubMed 12734318; PubMed 12952869.